The following is an entry in ClinVar:

ClinVar aggregate classification (germline): Uncertain significance (1 of 4 stars; one submission).

Submission:

Labcorp Genetics (formerly Invitae), Labcorp
Classification: Uncertain significance. Last evaluated: 2025-10-18. Review status: criteria provided, single submitter. Criteria: Invitae Variant Classification Sherloc (09022015). Collection method: clinical testing. Allele origin: germline.
Comment: This sequence change replaces methionine, which is neutral and non-polar, with leucine, which is neutral and non-polar, at codon 535 of the MSH3 protein (p.Met535Leu). This variant is not present in population databases (gnomAD no frequency). This variant has not been reported in the literature in individuals affected with MSH3-related conditions. An algorithm developed to predict the effect of missense changes on protein structure and function (PolyPhen-2) suggests that this variant is likely to be tolerated. In summary, the available evidence is currently insufficient to determine the role of this variant in disease. Therefore, it has been classified as a Variant of Uncertain Significance.

NM_002439.5(MSH3):c.1603A>T (p.Met535Leu)

Gene: MSH3 (mutS homolog 3; plus strand). Cytogenetic location: 5q14.1.
Variant type: single nucleotide variant.
Coding change: c.1603A>T on transcript NM_002439.5 (MANE Select); coding-DNA position 1603, A replaced by T.
Protein change: p.Met535Leu; replaces methionine 535 with leucine.
Molecular consequence: missense variant.
Genome position (GRCh38, 1-based): chr5:80,741,498, A>T. VCF-style: chr5-80741498-A-T. GRCh37 (hg19) VCF-style: chr5-80037317-A-T.
Other names: short protein forms M535L.
Identifiers: ClinVar variation 4729417 (VCV004729417.1).
Genomic context (GRCh38, chr5:80,741,498, plus strand): 5'-GCTAATTATATTTGATTCTTTTACAGGAATTTTAAACAGCTATCAAGTAAAATGGAATTT[A>T]TGACAATTAATGGAACAACATTAAGGAATCTGGAAATCCTACAGAATCAGGTCAGGCAAA-3'
Protein context (NP_002430.3, residues 525-545): FKQLSSKMEF[Met535Leu]TINGTTLRNL